The following is an entry in ClinVar:

NM_001082486.2(ACD):c.-37C>G

Gene: ACD (ACD shelterin complex subunit and telomerase recruitment factor; minus strand). Cytogenetic location: 16q22.1.
Variant type: single nucleotide variant.
Coding change: c.-37C>G on transcript NM_001082486.2 (MANE Select); 37 bases upstream of the start codon, C replaced by G.
Molecular consequence: 5 prime UTR variant.
Genome position (GRCh38, 1-based): chr16:67,660,257, G>C on the plus strand (C>G on the coding strand, the complement: ACD is on the minus strand). VCF-style: chr16-67660257-G-C. GRCh37 (hg19) VCF-style: chr16-67694160-G-C.
Other names: c.-37C>G (NM_001410884.1, NM_022914.3).
Identifiers: ClinVar variation 3903406 (VCV003903406.1).

ClinVar aggregate classification (germline): Uncertain significance (1 of 4 stars; one submission).

Submission:

GeneDx
Classification: Uncertain significance. Last evaluated: 2024-12-10. Review status: criteria provided, single submitter. Criteria: GeneDx Variant Classification Process June 2021. Collection method: clinical testing. Allele origin: germline. Affected: yes.
Comment: In silico analysis indicates that this missense variant does not alter protein structure/function; Has not been previously published as pathogenic or benign to our knowledge